The following is an entry in ClinVar:

NM_005228.5(EGFR):c.2357T>C (p.Val786Ala)

Genes: EGFR-AS1 (EGFR antisense RNA 1; minus strand), EGFR (epidermal growth factor receptor; plus strand). Cytogenetic location: 7p11.2.
Variant type: single nucleotide variant.
Coding change: c.2357T>C on transcript NM_005228.5 (MANE Select); coding-DNA position 2357, T replaced by C.
Protein change: p.Val786Ala; replaces valine 786 with alanine.
Molecular consequence: missense variant. On other transcripts: non-coding transcript variant (1).
Genome position (GRCh38, 1-based): chr7:55,181,366, T>C. VCF-style: chr7-55181366-T-C. GRCh37 (hg19) VCF-style: chr7-55249059-T-C.
Other names: c.2222T>C, p.Val741Ala (NM_001346897.2, NM_001346899.2); c.2357T>C, p.Val786Ala (NM_001346898.2); c.2198T>C, p.Val733Ala (NM_001346900.2); c.1556T>C, p.Val519Ala (NM_001346941.2); short protein forms V519A, V741A, V786A, V733A.
Identifiers: ClinVar variation 4638780 (VCV004638780.1).

ClinVar aggregate classification (germline): Uncertain significance (1 of 4 stars; one submission).

Conditions:
Hereditary cancer-predisposing syndrome. Also called: Neoplastic Syndromes, Hereditary; Tumor predisposition; Hereditary Cancer Syndrome; Hereditary neoplastic syndrome. Identifiers: Orphanet 140162, MedGen C0027672, MeSH D009386, MONDO:0015356.

gnomAD v4.1: 1 of 1,614,220 alleles (0.000062%); highest among the groups gnomAD compares: Non-Finnish European, 0.000085%; no homozygotes.

Submission:

Ambry Genetics
Classification: Uncertain significance for Hereditary cancer-predisposing syndrome. Last evaluated: 2025-10-07. Review status: criteria provided, single submitter. Criteria: Ambry Variant Classification Scheme 2023. Collection method: clinical testing. Allele origin: germline.
Comment: The p.V786A variant (also known as c.2357T>C), located in coding exon 20 of the EGFR gene, results from a T to C substitution at nucleotide position 2357. The valine at codon 786 is replaced by alanine, an amino acid with similar properties. This amino acid position is highly conserved in available vertebrate species. In addition, the in silico prediction for this alteration is inconclusive. Based on the available evidence, the clinical significance of this variant remains unclear.